The following is an entry in ClinVar:

NM_001151.4(SLC25A4):c.577G>A (p.Gly193Arg)

Gene: SLC25A4 (solute carrier family 25 member 4; plus strand). Cytogenetic location: 4q35.1.
Variant type: single nucleotide variant.
Coding change: c.577G>A on transcript NM_001151.4 (MANE Select); coding-DNA position 577, G replaced by A.
Protein change: p.Gly193Arg; replaces glycine 193 with arginine.
Molecular consequence: missense variant.
Genome position (GRCh38, 1-based): chr4:185,145,229, G>A. VCF-style: chr4-185145229-G-A. GRCh37 (hg19) VCF-style: chr4-186066383-G-A.
Other names: short protein forms G193R.
Identifiers: ClinVar variation 450607 (VCV000450607.6), dbSNP rs1553967623, ClinGen allele CA358896927.

ClinVar aggregate classification (germline): Uncertain significance. Review status: criteria provided, multiple submitters, no conflicts (2 of 4 stars). 2 submissions from 2 submitters: Uncertain significance (2). Last evaluated 2023-02-20.

Allele frequency attached by ClinVar (database versions not stated): gnomAD exomes below 0.00001; TOPMed below 0.00001; gnomAD 0.00001.
gnomAD v4.1: 3 of 1,613,922 alleles (0.00019%); highest among the groups gnomAD compares: Non-Finnish European, 0.00025%; no homozygotes.

Submissions (3):

Labcorp Genetics (formerly Invitae), Labcorp
Classification: Uncertain significance. Last evaluated: 2023-02-20. Review status: criteria provided, single submitter. Criteria: Invitae Variant Classification Sherloc (09022015). Collection method: clinical testing. Allele origin: germline.
Comment: This sequence change replaces glycine, which is neutral and non-polar, with arginine, which is basic and polar, at codon 193 of the SLC25A4 protein (p.Gly193Arg). This variant is not present in population databases (gnomAD no frequency). This variant has not been reported in the literature in individuals affected with SLC25A4-related conditions. ClinVar contains an entry for this variant (Variation ID: 450607). Advanced modeling of protein sequence and biophysical properties (such as structural, functional, and spatial information, amino acid conservation, physicochemical variation, residue mobility, and thermodynamic stability) performed at Invitae indicates that this missense variant is expected to disrupt SLC25A4 protein function. In summary, the available evidence is currently insufficient to determine the role of this variant in disease. Therefore, it has been classified as a Variant of Uncertain Significance.

GeneDx
Classification: Uncertain significance. Last evaluated: 2017-07-28. Review status: criteria provided, single submitter. Criteria: GeneDx Variant Classification (06012015). Collection method: clinical testing. Allele origin: germline. Affected: yes.
Comment: The G193R variant has not been published as a pathogenic variant, nor has it been reported as a benign variant to our knowledge. The G193R variant is not observed in large population cohorts (Lek et al., 2016; 1000 Genomes Consortium et al., 2015; Exome Variant Server). The G193R variant is a non-conservative amino acid substitution, which is likely to impact secondary protein structure as these residues differ in polarity, charge, size and/or other properties. This substitution occurs at a position that is conserved across species, and in silico analysis predicts this variant is probably damaging to the protein structure/function. In summary, based on the currently available information, it is unclear whether this variant is a pathogenic variant or a rare benign variant.

Dr. Peter K. Rogan Lab, Western University
No classification provided (evidence only). Condition: Uterine corpus endometrial carcinoma. Review status: no classification provided. Collection method: in vitro. Allele origin: not applicable. Functional consequence: retained intron. Not counted in ClinVar's aggregate classification.